The following is an entry in ClinVar:

NM_001001331.4(ATP2B2):c.1848C>T (p.Pro616=)

Gene: ATP2B2 (ATPase plasma membrane Ca2+ transporting 2; minus strand). Cytogenetic location: 3p25.3.
Variant type: single nucleotide variant.
Coding change: c.1848C>T on transcript NM_001001331.4 (MANE Select); coding-DNA position 1848, C replaced by T.
Protein change: p.Pro616=; no amino-acid change (proline 616 retained).
Molecular consequence: synonymous variant.
Genome position (GRCh38, 1-based): chr3:10,359,935, G>A on the plus strand (C>T on the coding strand, the complement: ATP2B2 is on the minus strand). VCF-style: chr3-10359935-G-A. GRCh37 (hg19) VCF-style: chr3-10401619-G-A.
Other names: c.1713C>T, p.Pro571= (NM_001330611.3, NM_001353564.1, NM_001363862.1 and 2 more transcripts); c.1755C>T, p.Pro585= (NM_001438646.1).
Identifiers: ClinVar variation 4978536 (VCV004978536.1).
Genomic context (GRCh38, chr3:10,359,935, plus strand): 5'-CGCTTACTTCTTGAGCACGATCTCAGAAGCCCCCTTGCTGTACATGCGGAAGCTCTCGTC[G>A]GGCAGCTTGATGACAGTGCTCATGGACTTGCGCACGGAGTTGAAGGTGTACACTTTGTAC-3'
Protein context (NP_001001331.1, residues 606-626): RKSMSTVIKL[Pro616=]DESFRMYSKG

ClinVar aggregate classification (germline): Likely benign (1 of 4 stars; one submission).

Conditions:
ATP2B2-related disorder. Also called: ATP2B2-related condition.

gnomAD v4.1: 201 of 1,614,024 alleles (0.012%); highest among the groups gnomAD compares: East Asian, 0.053%; no homozygotes.

Submission:

PreventionGenetics, part of Exact Sciences
Classification: Likely benign for ATP2B2-related condition. Last evaluated: 2026-09-01. Review status: criteria provided, single submitter. Criteria: ACMG Guidelines, 2015. Collection method: clinical testing. Allele origin: germline.
Comment: This variant is classified as likely benign based on ACMG/AMP sequence variant interpretation guidelines (Richards et al. 2015 PMID: 25741868, with internal and published modifications).